The following is an entry in ClinVar:

NM_000304.4(PMP22):c.26T>A (p.Ile9Asn)

Gene: PMP22 (peripheral myelin protein 22; minus strand). Cytogenetic location: 17p12.
Variant type: single nucleotide variant.
Coding change: c.26T>A on transcript NM_000304.4 (MANE Select); coding-DNA position 26, T replaced by A.
Protein change: p.Ile9Asn; replaces isoleucine 9 with asparagine.
Molecular consequence: missense variant.
Genome position (GRCh38, 1-based): chr17:15,260,702, A>T on the plus strand (T>A on the coding strand, the complement: PMP22 is on the minus strand). VCF-style: chr17-15260702-A-T. GRCh37 (hg19) VCF-style: chr17-15164019-A-T.
Other names: c.26T>A, p.Ile9Asn (NM_001281455.2, NM_001281456.2, NM_001330143.2 and 2 more transcripts); short protein forms I9N.
Identifiers: ClinVar variation 1722959 (VCV001722959.2), dbSNP rs2508227470, ClinGen allele CA398271751.
Genomic context (GRCh38, chr17:15,260,702, plus strand): 5'-GCACTCACGCTGACGATCGTGGAGACGAACAGCAGCACCAGCACCGCGACGTGGAGGACG[A>T]TGATACTCAGCAACAGGAGGAGCATTCTGGCGGCAAGTTCTGCTCAGCGGAGTTTCTGCC-3'
Protein context (NP_000295.1, residues 1-19): MLLLLLSI[Ile9Asn]VLHVAVLVLL

ClinVar aggregate classification (germline): Uncertain significance (1 of 4 stars; one submission).

Allele frequency attached by ClinVar (database versions not stated): gnomAD exomes below 0.00001.
gnomAD v4.1: 3 of 1,553,734 alleles (0.00019%); highest among the groups gnomAD compares: Non-Finnish European, 0.00026%; no homozygotes.

Submission:

GeneDx
Classification: Uncertain significance. Last evaluated: 2022-11-05. Review status: criteria provided, single submitter. Criteria: GeneDx Variant Classification Process June 2021. Collection method: clinical testing. Allele origin: germline. Affected: yes.
Comment: Not observed at significant frequency in large population cohorts (gnomAD); In silico analysis supports that this missense variant has a deleterious effect on protein structure/function; Has not been previously published as pathogenic or benign to our knowledge